The following is an entry in ClinVar:

ClinVar aggregate classification (germline): Uncertain significance (1 of 4 stars; one submission).

Conditions:
Phenylketonuria (PKU). Also called: FOLLING DISEASE; Phenylketonurias; Phenylketonuria (PKU); OLIGOPHRENIA PHENYLPYRUVICA. Identifiers: Orphanet 716, MedGen C0031485, MONDO:0009861, OMIM 261600. Disease mechanism: loss of function.

Submission:

Labcorp Genetics (formerly Invitae), Labcorp
Classification: Uncertain significance for Phenylketonuria. Last evaluated: 2021-12-08. Review status: criteria provided, single submitter. Criteria: Invitae Variant Classification Sherloc (09022015). Collection method: clinical testing. Allele origin: germline.
Comment: This sequence change replaces glycine, which is neutral and non-polar, with valine, which is neutral and non-polar, at codon 33 of the PAH protein (p.Gly33Val). This variant is not present in population databases (gnomAD no frequency). This variant has not been reported in the literature in individuals affected with PAH-related conditions. Advanced modeling of protein sequence and biophysical properties (such as structural, functional, and spatial information, amino acid conservation, physicochemical variation, residue mobility, and thermodynamic stability) performed at Invitae indicates that this missense variant is expected to disrupt PAH protein function. Experimental studies have shown that this missense change does not substantially affect PAH function (PMID: 12554741). In summary, the available evidence is currently insufficient to determine the role of this variant in disease. Therefore, it has been classified as a Variant of Uncertain Significance.

Literature cited by the submitters: PubMed 12554741.

NM_000277.3(PAH):c.98G>T (p.Gly33Val)

Gene: PAH (phenylalanine hydroxylase; minus strand). Cytogenetic location: 12q23.2.
Variant type: single nucleotide variant.
Coding change: c.98G>T on transcript NM_000277.3 (MANE Select); coding-DNA position 98, G replaced by T.
Protein change: p.Gly33Val; replaces glycine 33 with valine.
Molecular consequence: missense variant.
Genome position (GRCh38, 1-based): chr12:102,912,861, C>A on the plus strand (G>T on the coding strand, the complement: PAH is on the minus strand). VCF-style: chr12-102912861-C-A. GRCh37 (hg19) VCF-style: chr12-103306639-C-A.
Other names: c.98G>T, p.Gly33Val (NM_001354304.2); short protein forms G33V.
Identifiers: ClinVar variation 2074268 (VCV002074268.4), dbSNP rs2499542573, ClinGen allele CA386302590.